The following is an entry in ClinVar:

NM_001003841.3(SLC6A19):c.373G>T (p.Val125Leu)

Gene: SLC6A19 (solute carrier family 6 member 19; plus strand). Cytogenetic location: 5p15.33.
Variant type: single nucleotide variant.
Coding change: c.373G>T on transcript NM_001003841.3 (MANE Select); coding-DNA position 373, G replaced by T.
Protein change: p.Val125Leu; replaces valine 125 with leucine.
Molecular consequence: missense variant.
Genome position (GRCh38, 1-based): chr5:1,210,473, G>T. VCF-style: chr5-1210473-G-T. GRCh37 (hg19) VCF-style: chr5-1210588-G-T.
Other names: short protein forms V125L.
Identifiers: ClinVar variation 1939748 (VCV001939748.5), dbSNP rs766877452, ClinGen allele CA359064781.

ClinVar aggregate classification (germline): Uncertain significance (1 of 4 stars; one submission).

Submission:

Labcorp Genetics (formerly Invitae), Labcorp
Classification: Uncertain significance. Last evaluated: 2022-07-03. Review status: criteria provided, single submitter. Criteria: Invitae Variant Classification Sherloc (09022015). Collection method: clinical testing. Allele origin: germline.
Comment: In summary, the available evidence is currently insufficient to determine the role of this variant in disease. Therefore, it has been classified as a Variant of Uncertain Significance. Advanced modeling of protein sequence and biophysical properties (such as structural, functional, and spatial information, amino acid conservation, physicochemical variation, residue mobility, and thermodynamic stability) performed at Invitae indicates that this missense variant is not expected to disrupt SLC6A19 protein function. This variant has not been reported in the literature in individuals affected with SLC6A19-related conditions. This variant is not present in population databases (gnomAD no frequency). This sequence change replaces valine, which is neutral and non-polar, with leucine, which is neutral and non-polar, at codon 125 of the SLC6A19 protein (p.Val125Leu).